The following is an entry in ClinVar:

ClinVar aggregate classification (germline): Uncertain significance (1 of 4 stars; one submission).

Conditions:
Hereditary cancer-predisposing syndrome. Also called: Hereditary Cancer Syndrome; Neoplastic Syndromes, Hereditary; Tumor predisposition; Hereditary neoplastic syndrome. Identifiers: Orphanet 140162, MedGen C0027672, MeSH D009386, MONDO:0015356.

Submission:

Ambry Genetics
Classification: Uncertain significance for Hereditary cancer-predisposing syndrome. Last evaluated: 2020-07-28. Review status: criteria provided, single submitter. Criteria: Ambry Variant Classification Scheme 2023. Collection method: clinical testing. Allele origin: germline.
Comment: The p.E1668D variant (also known as c.5004G>C), located in coding exon 15 of the APC gene, results from a G to C substitution at nucleotide position 5004. The glutamic acid at codon 1668 is replaced by aspartic acid, an amino acid with highly similar properties. This amino acid position is highly conserved in available vertebrate species. In addition, in silico predictors for this gene do not accurately predict pathogenicity. Since supporting evidence is limited at this time, the clinical significance of this alteration remains unclear.

NM_000038.6(APC):c.5004G>C (p.Glu1668Asp)

Gene: APC (APC regulator of Wnt signaling pathway; plus strand). Cytogenetic location: 5q22.2.
Variant type: single nucleotide variant.
Coding change: c.5004G>C on transcript NM_000038.6 (MANE Select); coding-DNA position 5004, G replaced by C.
Protein change: p.Glu1668Asp; replaces glutamic acid 1668 with aspartic acid.
Molecular consequence: missense variant.
Genome position (GRCh38, 1-based): chr5:112,840,598, G>C. VCF-style: chr5-112840598-G-C. GRCh37 (hg19) VCF-style: chr5-112176295-G-C.
Other names: c.5004G>C, p.Glu1668Asp (NM_001127510.3, NM_001354895.2, NM_001407450.1); c.4950G>C, p.Glu1650Asp (NM_001127511.3); c.5058G>C, p.Glu1686Asp (NM_001354896.2, NM_001407447.1, NM_001407448.1 and 1 more transcripts); c.5034G>C, p.Glu1678Asp (NM_001354897.2); c.4929G>C, p.Glu1643Asp (NM_001354898.2); c.4920G>C, p.Glu1640Asp (NM_001354899.2); c.4881G>C, p.Glu1627Asp (NM_001354900.2); c.4827G>C, p.Glu1609Asp (NM_001354901.2, NM_001407453.1); and 11 more; short protein forms E1385D, E1609D, E1640D, E1658D, E1678D, E1284D, E1508D, E1567D.
Identifiers: ClinVar variation 1744737 (VCV001744737.2), dbSNP rs1361638377, ClinGen allele CA16032282.